The following is an entry in ClinVar:

NM_021942.6(TRAPPC11):c.2989A>G (p.Ile997Val)

Gene: TRAPPC11 (trafficking protein particle complex subunit 11; plus strand). Cytogenetic location: 4q35.1.
Variant type: single nucleotide variant.
Coding change: c.2989A>G on transcript NM_021942.6 (MANE Select); coding-DNA position 2989, A replaced by G.
Protein change: p.Ile997Val; replaces isoleucine 997 with valine.
Molecular consequence: missense variant.
Genome position (GRCh38, 1-based): chr4:183,705,004, A>G. VCF-style: chr4-183705004-A-G. GRCh37 (hg19) VCF-style: chr4-184626157-A-G.
Other names: c.2989A>G, p.Ile997Val (NM_199053.3); short protein forms I997V.
Identifiers: ClinVar variation 2690264 (VCV002690264.5), dbSNP rs1736984055, ClinGen allele CA358874156.
Genomic context (GRCh38, chr4:183,705,004, plus strand): 5'-AAAAGAGTTTAAAAAGATGACCTCTTCTGCCACAGGACCTCAGCAATGGAGAATATCCCC[A>G]TCATCACAACTGTCATCACTCTGCCGCACGTGATTGTGGAGAATATCCCTCTCCATGTGA-3'
Protein context (NP_068761.4, residues 987-1007): KRTSAMENIP[Ile997Val]ITTVITLPHV

ClinVar aggregate classification (germline): Uncertain significance. Review status: criteria provided, multiple submitters, no conflicts (2 of 4 stars). 2 submissions from 2 submitters: Uncertain significance (2). Last evaluated 2024-12-30.

Conditions:
Autosomal recessive limb-girdle muscular dystrophy type R18 (LGMDR18). Also called: Autosomal recessive limb-girdle muscular dystrophy type 2S; Limb-girdle muscular dystrophy, type 2S; MUSCULAR DYSTROPHY, LIMB-GIRDLE, AUTOSOMAL RECESSIVE 18. Identifiers: Orphanet 369840, MedGen C4517996, MONDO:0014144, OMIM 615356.

Allele frequency attached by ClinVar (database versions not stated): gnomAD exomes below 0.00001.

Submissions (2):

Labcorp Genetics (formerly Invitae), Labcorp
Classification: Uncertain significance for Autosomal recessive limb-girdle muscular dystrophy type R18. Last evaluated: 2024-12-30. Review status: criteria provided, single submitter. Criteria: Invitae Variant Classification Sherloc (09022015). Collection method: clinical testing. Allele origin: germline.
Comment: This sequence change replaces isoleucine, which is neutral and non-polar, with valine, which is neutral and non-polar, at codon 997 of the TRAPPC11 protein (p.Ile997Val). This variant is not present in population databases (gnomAD no frequency). This variant has not been reported in the literature in individuals affected with TRAPPC11-related conditions. ClinVar contains an entry for this variant (Variation ID: 2690264). Invitae Evidence Modeling of protein sequence and biophysical properties (such as structural, functional, and spatial information, amino acid conservation, physicochemical variation, residue mobility, and thermodynamic stability) indicates that this missense variant is not expected to disrupt TRAPPC11 protein function with a negative predictive value of 80%. In summary, the available evidence is currently insufficient to determine the role of this variant in disease. Therefore, it has been classified as a Variant of Uncertain Significance.

Revvity Omics, Revvity
Classification: Uncertain significance for Autosomal recessive limb-girdle muscular dystrophy type R18. Last evaluated: 2023-03-28. Review status: criteria provided, single submitter. Criteria: ACMG Guidelines, 2015. Collection method: clinical testing. Allele origin: germline.